The following is an entry in ClinVar:

ClinVar aggregate classification (germline): Uncertain significance (1 of 4 stars; one submission).

Allele frequency attached by ClinVar (database versions not stated): gnomAD exomes below 0.00001.
gnomAD v4.1: 1 of 1,613,950 alleles (0.000062%); highest among the groups gnomAD compares: Non-Finnish European, 0.000085%; no homozygotes.

Submission:

Labcorp Genetics (formerly Invitae), Labcorp
Classification: Uncertain significance. Last evaluated: 2026-01-12. Review status: criteria provided, single submitter. Criteria: Invitae Variant Classification Sherloc (09022015). Collection method: clinical testing. Allele origin: germline.
Comment: This sequence change replaces serine, which is neutral and polar, with proline, which is neutral and non-polar, at codon 85 of the CARD8 protein (p.Ser85Pro). This variant is present in population databases (no rsID available, gnomAD no frequency). This variant has not been reported in the literature in individuals affected with CARD8-related conditions. ClinVar contains an entry for this variant (Variation ID: 2975340). An algorithm developed to predict the effect of missense changes on protein structure and function (PolyPhen-2) suggests that this variant is likely to be disruptive. In summary, the available evidence is currently insufficient to determine the role of this variant in disease. Therefore, it has been classified as a Variant of Uncertain Significance.

NM_001184900.3(CARD8):c.403T>C (p.Ser135Pro)

Gene: CARD8 (caspase recruitment domain family member 8; minus strand). Cytogenetic location: 19q13.33.
Variant type: single nucleotide variant.
Coding change: c.403T>C on transcript NM_001184900.3 (MANE Select); coding-DNA position 403, T replaced by C.
Protein change: p.Ser135Pro; replaces serine 135 with proline.
Molecular consequence: missense variant. On other transcripts: non-coding transcript variant (4).
Genome position (GRCh38, 1-based): chr19:48,231,799, A>G on the plus strand (T>C on the coding strand, the complement: CARD8 is on the minus strand). VCF-style: chr19-48231799-A-G. GRCh37 (hg19) VCF-style: chr19-48735056-A-G.
Other names: c.160T>C, p.Ser54Pro (NM_001351790.2); c.88T>C, p.Ser30Pro (NM_001351791.2, NM_001351792.2, NM_001365950.1 and 2 more transcripts); c.-420T>C (NM_001426741.1); c.253T>C, p.Ser85Pro (NM_014959.5, NM_001351783.2, NM_001351788.2 and 2 more transcripts); c.403T>C, p.Ser135Pro (NM_001184903.1, NM_001351782.2, NM_001184902.2); c.67T>C, p.Ser23Pro (NM_001351786.2); short protein forms S23P, S135P, S54P, S30P, S85P.
Identifiers: ClinVar variation 2975340 (VCV002975340.3), dbSNP rs1191482073, ClinGen allele CA406645441.